The following is an entry in ClinVar:

ClinVar aggregate classification (germline): Likely pathogenic (1 of 4 stars; one submission).

Conditions:
CFTR-related disorder (CFTR-RD). Also called: CFTR-related disorders; CFTR-related condition. Identifiers: MedGen C5924204, MONDO:7770004.

Submission:

Natera, Inc.
Classification: Likely pathogenic for CFTR-related disorders. Last evaluated: 2026-01-27. Review status: criteria provided, single submitter. Criteria: Natera Variant Classification Schema (03/2026). Collection method: clinical testing. Allele origin: germline.
Comment: The c.4378_4429del variant in CFTR is a frameshift variant predicted to elongate the protein beyond the termination codon. This variant is expected to result in nonsense mediated decay, truncation, or a dysfunctional protein product. This variant is rare in the general population with a frequency below the threshold expected for the associated phenotype(s). Given the available evidence, this variant is classified as Likely Pathogenic.

NM_000492.4(CFTR):c.4378_4429del (p.Ser1460fs)

Genes: CFTR (CF transmembrane conductance regulator; plus strand), LOC111674477 (CFTR intron 23 enhancer; plus strand). Cytogenetic location: 7q31.2.
Variant type: Deletion.
Coding change: c.4378_4429del on transcript NM_000492.4 (MANE Select); coding-DNA positions 4378 to 4429, 52 bases deleted.
Protein change: p.Ser1460fs; shifts the reading frame from serine 1460.
Molecular consequence: frameshift variant.
Genome position (GRCh38, 1-based): chr7:117,667,043-117,667,094, 52 bases deleted. GRCh37 (hg19): chr7:117,307,097-117,307,148.
Other names: c.4378_4429del52, p.Ser1460Ilefs (NM_000492.3); short protein forms S1460fs.
Identifiers: ClinVar variation 4818562 (VCV004818562.1).